The following is an entry in ClinVar:

NM_000069.3(CACNA1S):c.2257C>A (p.Pro753Thr)

Gene: CACNA1S (calcium voltage-gated channel subunit alpha1 S; minus strand). Cytogenetic location: 1q32.1.
Variant type: single nucleotide variant.
Coding change: c.2257C>A on transcript NM_000069.3 (MANE Select); coding-DNA position 2257, C replaced by A.
Protein change: p.Pro753Thr; replaces proline 753 with threonine.
Molecular consequence: missense variant.
Genome position (GRCh38, 1-based): chr1:201,070,375, G>T on the plus strand (C>A on the coding strand, the complement: CACNA1S is on the minus strand). VCF-style: chr1-201070375-G-T. GRCh37 (hg19) VCF-style: chr1-201039503-G-T.
Other names: short protein forms P753T.
Identifiers: ClinVar variation 3075475 (VCV003075475.1), dbSNP rs2464539732, ClinGen allele CA344109398.

ClinVar aggregate classification (germline): Uncertain significance (1 of 4 stars; one submission).

Conditions:
Malignant hyperthermia, susceptibility to, 5 (MHS5). Also called: CACNA1S-Related Malignant Hyperthermia Susceptibility. Identifiers: Orphanet 423, MedGen C1866077, MONDO:0011163, OMIM 601887.

Submission:

All of Us Research Program, National Institutes of Health
Classification: Uncertain significance for Malignant hyperthermia, susceptibility to, 5. Last evaluated: 2024-02-05. Review status: criteria provided, single submitter. Criteria: ACMG Guidelines, 2015. Collection method: clinical testing. Allele origin: germline. Inheritance: Autosomal dominant inheritance. Observed: 1 variant allele, 1 heterozygote.
Comment: This missense variant replaces proline with threonine at codon 753 of the CACNA1S protein. Computational prediction suggests that this variant may have deleterious impact on protein structure and function (internally defined REVEL score threshold >= 0.7, PMID: 27666373). To our knowledge, functional studies have not been reported for this variant. This variant has not been reported in individuals affected with CACNA1S-related disorders in the literature. This variant has not been identified in the general population by the Genome Aggregation Database (gnomAD). The available evidence is insufficient to determine the role of this variant in disease conclusively. Therefore, this variant is classified as a Variant of Uncertain Significance.

This study involves interpretation of variants in research participants for the purpose of population health screening. Participant phenotype was not available at the time of variant classification. Additional details can be found in publication PMID: 35346344, PMCID: PMC8962531